The following is an entry in ClinVar:

ClinVar aggregate classification (germline): Uncertain significance (1 of 4 stars; one submission).

Conditions:
Hereditary cancer-predisposing syndrome. Also called: Neoplastic Syndromes, Hereditary; Tumor predisposition; Hereditary Cancer Syndrome; Hereditary neoplastic syndrome. Identifiers: Orphanet 140162, MedGen C0027672, MeSH D009386, MONDO:0015356.

Submission:

Ambry Genetics
Classification: Uncertain significance for Hereditary cancer-predisposing syndrome. Last evaluated: 2024-11-02. Review status: criteria provided, single submitter. Criteria: Ambry Variant Classification Scheme 2023. Collection method: clinical testing. Allele origin: germline.
Comment: The p.N1066Y variant (also known as c.3196A>T), located in coding exon 21 of the RAD50 gene, results from an A to T substitution at nucleotide position 3196. The asparagine at codon 1066 is replaced by tyrosine, an amino acid with dissimilar properties. This amino acid position is conserved. In addition, this alteration is predicted to be tolerated by in silico analysis. Based on the available evidence, the clinical significance of this variant remains unclear.

NM_005732.4(RAD50):c.3196A>T (p.Asn1066Tyr)

Gene: RAD50 (RAD50 double strand break repair protein; plus strand). Cytogenetic location: 5q31.1.
Variant type: single nucleotide variant.
Coding change: c.3196A>T on transcript NM_005732.4 (MANE Select); coding-DNA position 3196, A replaced by T.
Protein change: p.Asn1066Tyr; replaces asparagine 1066 with tyrosine.
Molecular consequence: missense variant.
Genome position (GRCh38, 1-based): chr5:132,618,101, A>T. VCF-style: chr5-132618101-A-T. GRCh37 (hg19) VCF-style: chr5-131953793-A-T.
Other names: short protein forms N1066Y.
Identifiers: ClinVar variation 3429523 (VCV003429523.1).